The following is an entry in ClinVar:

ClinVar aggregate classification (germline): Pathogenic (1 of 4 stars; one submission).

Allele frequency attached by ClinVar (database versions not stated): ExAC 0.00001; gnomAD exomes 0.00001.
gnomAD v4.1: 5 of 1,614,040 alleles (0.00031%); highest among the groups gnomAD compares: East Asian, 0.011%; no homozygotes.

Submission:

Labcorp Genetics (formerly Invitae), Labcorp
Classification: Pathogenic. Last evaluated: 2023-01-16. Review status: criteria provided, single submitter. Criteria: Invitae Variant Classification Sherloc (09022015). Collection method: clinical testing. Allele origin: germline.
Comment: This sequence change replaces glycine, which is neutral and non-polar, with aspartic acid, which is acidic and polar, at codon 648 of the MUT protein (p.Gly648Asp). For these reasons, this variant has been classified as Pathogenic. Experimental studies have shown that this missense change affects MUT function (PMID: 7912889, 25125334). Advanced modeling of protein sequence and biophysical properties (such as structural, functional, and spatial information, amino acid conservation, physicochemical variation, residue mobility, and thermodynamic stability) performed at Invitae indicates that this missense variant is expected to disrupt MUT protein function. ClinVar contains an entry for this variant (Variation ID: 953158). This missense change has been observed in individual(s) with methylmalonic aciduria (PMID: 23430940, 26454439, 28811685; Invitae). This variant is present in population databases (rs766721811, gnomAD 0.01%).

Literature cited by the submitters: PubMed 7912889; PubMed 25125334; PubMed 23430940; PubMed 26454439; PubMed 28811685.

NM_000255.4(MMUT):c.1943G>A (p.Gly648Asp)

Gene: MMUT (methylmalonyl-CoA mutase; minus strand). Cytogenetic location: 6p12.3.
Variant type: single nucleotide variant.
Coding change: c.1943G>A on transcript NM_000255.4 (MANE Select); coding-DNA position 1943, G replaced by A.
Protein change: p.Gly648Asp; replaces glycine 648 with aspartic acid.
Molecular consequence: missense variant.
Genome position (GRCh38, 1-based): chr6:49,440,219, C>T on the plus strand (G>A on the coding strand, the complement: MMUT is on the minus strand). VCF-style: chr6-49440219-C-T. GRCh37 (hg19) VCF-style: chr6-49407932-C-T.
Other names: short protein forms G648D.
Identifiers: ClinVar variation 953158 (VCV000953158.8), dbSNP rs766721811, ClinGen allele CA3846709.
Genomic context (GRCh38, chr6:49,440,219, plus strand): 5'-AGTGACTAGTAAATACTTTTGAAATTCCCCCCAACAGTTTTTAGTACCTGGAAAAGAGGG[C>T]CTATGTCCACATCAAAACCAAGATCAGCAAATCCTGTAGCAATAACTTTTGCTCCTCTGT-3'
Protein context (NP_000246.2, residues 638-658): FADLGFDVDI[Gly648Asp]PLFQTPREVA